The following is an entry in ClinVar:

NM_144573.4(NEXN):c.761T>C (p.Leu254Pro)

Gene: NEXN (nexilin F-actin binding protein; plus strand). Cytogenetic location: 1p31.1.
Variant type: single nucleotide variant.
Coding change: c.761T>C on transcript NM_144573.4 (MANE Select); coding-DNA position 761, T replaced by C.
Protein change: p.Leu254Pro; replaces leucine 254 with proline.
Molecular consequence: missense variant.
Genome position (GRCh38, 1-based): chr1:77,926,789, T>C. VCF-style: chr1-77926789-T-C. GRCh37 (hg19) VCF-style: chr1-78392474-T-C.
Other names: c.569T>C, p.Leu190Pro (NM_001172309.2); short protein forms L254P, L190P.
Identifiers: ClinVar variation 2014173 (VCV002014173.4), dbSNP rs2523208242, ClinGen allele CA340873984.

ClinVar aggregate classification (germline): Uncertain significance (1 of 4 stars; one submission).

Conditions:
Dilated cardiomyopathy 1CC (CMD1CC). Identifiers: Orphanet 154, MedGen C2751084, MONDO:0013147, OMIM 613122.
Hypertrophic cardiomyopathy 20. Identifiers: MedGen C3151267, MONDO:0013477, OMIM 613876.

Submission:

Labcorp Genetics (formerly Invitae), Labcorp
Classification: Uncertain significance for Dilated cardiomyopathy 1CC; Hypertrophic cardiomyopathy 20. Last evaluated: 2022-07-04. Review status: criteria provided, single submitter. Criteria: Invitae Variant Classification Sherloc (09022015). Collection method: clinical testing. Allele origin: germline.
Comment: In summary, the available evidence is currently insufficient to determine the role of this variant in disease. Therefore, it has been classified as a Variant of Uncertain Significance. Algorithms developed to predict the effect of missense changes on protein structure and function are either unavailable or do not agree on the potential impact of this missense change (SIFT: "Deleterious"; PolyPhen-2: "Possibly Damaging"; Align-GVGD: "Class C0"). This variant has not been reported in the literature in individuals affected with NEXN-related conditions. This variant is not present in population databases (gnomAD no frequency). This sequence change replaces leucine, which is neutral and non-polar, with proline, which is neutral and non-polar, at codon 254 of the NEXN protein (p.Leu254Pro).